The following is an entry in ClinVar:

ClinVar aggregate classification (germline): Uncertain significance. Review status: criteria provided, multiple submitters, no conflicts (2 of 4 stars). 2 submissions from 2 submitters: Uncertain significance (2). Last evaluated 2024-11-02.

Conditions:
Chédiak-Higashi syndrome (CHS). Also called: Chediak-Higashi Syndrome. Identifiers: Orphanet 167, MedGen C0007965, MONDO:0008963, OMIM 214500.
Inborn genetic diseases. Identifiers: MedGen C0950123, MeSH D030342.

Allele frequency attached by ClinVar (database versions not stated): ExAC 0.00003; gnomAD 0.00003; TOPMed 0.00003; gnomAD exomes 0.00006; ESP Exome Variant Server 0.00008.
gnomAD v4.1: 90 of 1,612,594 alleles (0.0056%); highest among the groups gnomAD compares: Non-Finnish European, 0.0075%; no homozygotes.

Submissions (2):

Labcorp Genetics (formerly Invitae), Labcorp
Classification: Uncertain significance for Chédiak-Higashi syndrome. Last evaluated: 2024-11-02. Review status: criteria provided, single submitter. Criteria: Invitae Variant Classification Sherloc (09022015). Collection method: clinical testing. Allele origin: germline.
Comment: This sequence change replaces isoleucine, which is neutral and non-polar, with valine, which is neutral and non-polar, at codon 1755 of the LYST protein (p.Ile1755Val). This variant is present in population databases (rs374034216, gnomAD 0.008%). This variant has not been reported in the literature in individuals affected with LYST-related conditions. ClinVar contains an entry for this variant (Variation ID: 640340). Invitae Evidence Modeling of protein sequence and biophysical properties (such as structural, functional, and spatial information, amino acid conservation, physicochemical variation, residue mobility, and thermodynamic stability) indicates that this missense variant is not expected to disrupt LYST protein function with a negative predictive value of 80%. In summary, the available evidence is currently insufficient to determine the role of this variant in disease. Therefore, it has been classified as a Variant of Uncertain Significance.

Ambry Genetics
Classification: Uncertain significance for Inborn genetic diseases. Last evaluated: 2024-10-16. Review status: criteria provided, single submitter. Criteria: Ambry Variant Classification Scheme 2023. Collection method: clinical testing. Allele origin: germline.

NM_000081.4(LYST):c.5263A>G (p.Ile1755Val)

Gene: LYST (lysosomal trafficking regulator; minus strand). Cytogenetic location: 1q42.3.
Variant type: single nucleotide variant.
Coding change: c.5263A>G on transcript NM_000081.4 (MANE Select); coding-DNA position 5263, A replaced by G.
Protein change: p.Ile1755Val; replaces isoleucine 1755 with valine.
Molecular consequence: missense variant.
Genome position (GRCh38, 1-based): chr1:235,777,260, T>C on the plus strand (A>G on the coding strand, the complement: LYST is on the minus strand). VCF-style: chr1-235777260-T-C. GRCh37 (hg19) VCF-style: chr1-235940560-T-C.
Other names: c.5263A>G (NM_000081.2); c.5263A>G, p.Ile1755Val (NM_001301365.1); short protein forms I1755V.
Identifiers: ClinVar variation 640340 (VCV000640340.7), dbSNP rs374034216, ClinGen allele CA1466660.